The following is an entry in ClinVar:

NM_002641.4(PIGA):c.-64C>T

Gene: PIGA (phosphatidylinositol glycan anchor biosynthesis class A; minus strand). Cytogenetic location: Xp22.2.
Variant type: single nucleotide variant.
Coding change: c.-64C>T on transcript NM_002641.4 (MANE Select); 64 bases upstream of the start codon, C replaced by T.
Molecular consequence: 5 prime UTR variant. On other transcripts: synonymous variant (1), non-coding transcript variant (2).
Genome position (GRCh38, 1-based): chrX:15,335,502, G>A on the plus strand (C>T on the coding strand, the complement: PIGA is on the minus strand). VCF-style: chrX-15335502-G-A. GRCh37 (hg19) VCF-style: chrX-15353624-G-A.
Other names: c.12C>T, p.Thr4= (NM_020473.3).
Identifiers: ClinVar variation 3037109 (VCV003037109.2), dbSNP rs1602214610, ClinGen allele CA2416907704.
Genomic context (GRCh38, chrX:15,335,502, plus strand): 5'-ACAGCCCCATCCGAAAGCGGCCCAGAGCGCTGGAGAGGGGCGGCGCGACGCGCACTCACC[G>A]GTGAGTTCCATGGCCGCCAGTGTCCGGACCTCCCGCGGCTGCAGCCGGAGTCCCTCCCTG-3'

ClinVar aggregate classification (germline): Likely benign (0 of 4 stars; one submission).

Conditions:
PIGA-related disorder. Also called: PIGA-related condition.

Submission:

PreventionGenetics, part of Exact Sciences
Classification: Likely benign for PIGA-related condition. Last evaluated: 2023-04-21. Review status: no assertion criteria provided. Collection method: clinical testing. Allele origin: germline.
Comment: This variant is classified as likely benign based on ACMG/AMP sequence variant interpretation guidelines (Richards et al. 2015 PMID: 25741868, with internal and published modifications).